The following is an entry in ClinVar:

ClinVar aggregate classification (germline): Benign (1 of 4 stars; one submission).

Allele frequency attached by ClinVar (database versions not stated): 1000 Genomes Project 0.87640; gnomAD 0.81411 and 0.81913; 1000 Genomes Project 30x 0.87305; TOPMed 0.82827.
gnomAD v4.1: 124,006 of 151,198 alleles (82%); highest among the groups gnomAD compares: East Asian, 98%; 51,010 homozygotes.

Submission:

GeneDx
Classification: Benign. Last evaluated: 2018-06-14. Review status: criteria provided, single submitter. Criteria: GeneDx Variant Classification (06012015). Collection method: clinical testing. Allele origin: germline. Affected: yes.
Comment: This variant is considered likely benign or benign based on one or more of the following criteria: it is a conservative change, it occurs at a poorly conserved position in the protein, it is predicted to be benign by multiple in silico algorithms, and/or has population frequency not consistent with disease.

NM_206926.2(SELENON):c.183+299T>C

Gene: SELENON (selenoprotein N; plus strand). Cytogenetic location: 1p36.11.
Variant type: single nucleotide variant.
Coding change: c.183+299T>C on transcript NM_206926.2 (MANE Select); 299 bases into the intron after coding-DNA position 183, T replaced by C.
Molecular consequence: intron variant.
Genome position (GRCh38, 1-based): chr1:25,800,712, T>C. VCF-style: chr1-25800712-T-C. GRCh37 (hg19) VCF-style: chr1-26127203-T-C.
Other names: c.183+299T>C (NM_020451.3).
Identifiers: ClinVar variation 680773 (VCV000680773.1), dbSNP rs6676343, ClinGen allele CA15076144.
Genomic context (GRCh38, chr1:25,800,712, plus strand): 5'-CTCTATCCAGAGGGGTGACCTGGACACAGTGAAGCTGGTTCCCGCAGAGTCTTAAAGGGT[T>C]ACTGGGGAGCCCTGGGACAGTGAGGAGGGGACACAGGAGAGGACAGAAGGTGCAGGAGGA-3'